The following is an entry in ClinVar:

ClinVar aggregate classification (germline): Conflicting classifications of pathogenicity. Review status: criteria provided, conflicting classifications (1 of 4 stars). 3 submissions from 3 submitters: Uncertain significance (1); Benign (1); Likely benign (1). Last evaluated 2025-11-01.

Allele frequency attached by ClinVar (database versions not stated): gnomAD 0.00004; 1000 Genomes Project 30x 0.00016; 1000 Genomes Project 0.00020.
gnomAD v4.1: 28 of 1,614,170 alleles (0.0017%); highest among the groups gnomAD compares: African/African-American, 0.0053%; no homozygotes.

Submissions (3):

Labcorp Genetics (formerly Invitae), Labcorp
Classification: Benign. Last evaluated: 2025-11-01. Review status: criteria provided, single submitter. Criteria: Invitae Variant Classification Sherloc (09022015). Collection method: clinical testing. Allele origin: germline.

GeneDx
Classification: Uncertain significance. Last evaluated: 2024-09-06. Review status: criteria provided, single submitter. Criteria: GeneDx Variant Classification Process June 2021. Collection method: clinical testing. Allele origin: germline. Affected: yes.
Comment: In silico analysis supports that this missense variant has a deleterious effect on protein structure/function; Not located in the triple helical region, where the majority of pathogenic missense variants occur (HGMD); Has not been previously published as pathogenic or benign to our knowledge

Blueprint Genetics
Classification: Likely benign. Last evaluated: 2018-12-11. Review status: criteria provided, single submitter. Criteria: ACMG Guidelines, 2015. Collection method: clinical testing. Allele origin: germline.

NM_001844.5(COL2A1):c.4061A>G (p.Asn1354Ser)

Gene: COL2A1 (collagen type II alpha 1 chain; minus strand). Cytogenetic location: 12q13.11.
Variant type: single nucleotide variant.
Coding change: c.4061A>G on transcript NM_001844.5 (MANE Select); coding-DNA position 4061, A replaced by G.
Protein change: p.Asn1354Ser; replaces asparagine 1354 with serine.
Molecular consequence: missense variant.
Genome position (GRCh38, 1-based): chr12:47,974,688, T>C on the plus strand (A>G on the coding strand, the complement: COL2A1 is on the minus strand). VCF-style: chr12-47974688-T-C. GRCh37 (hg19) VCF-style: chr12-48368471-T-C.
Other names: c.3854A>G, p.Asn1285Ser (NM_033150.3); short protein forms N1285S, N1354S.
Identifiers: ClinVar variation 1307343 (VCV001307343.11), dbSNP rs200621622, ClinGen allele CA6534574.
Genomic context (GRCh38, chr12:47,974,688, plus strand): 5'-TTTGAGGAGCCATCTCTGCTCATCATCTAGGGCACCCAGGTACTCACATGGAAGCCACCA[T>C]TGATGGTTTCTCCAAACCAGATGTGTTTCTTCTCCTTGCTCTTGCTGCTCCACCAGTTCT-3'
Protein context (NP_001835.3, residues 1344-1364): KKHIWFGETI[Asn1354Ser]GGFHFSYGDD